The following is an entry in ClinVar:

ClinVar aggregate classification (germline): Pathogenic (1 of 4 stars; one submission).

Conditions:
Familial focal epilepsy with variable foci (FPEVF). Identifiers: Orphanet 98820, MedGen C1858477, MONDO:0020310.

Submission:

Labcorp Genetics (formerly Invitae), Labcorp
Classification: Pathogenic for Familial focal epilepsy with variable foci. Last evaluated: 2024-01-06. Review status: criteria provided, single submitter. Criteria: Invitae Variant Classification Sherloc (09022015). Collection method: clinical testing. Allele origin: unknown.
Comment: This variant is a gross deletion of the genomic region encompassing exon(s) 18 of the DEPDC5 gene. This deletion is out-of-frame, and is expected to create a premature termination codon and result in an absent or disrupted protein product. Loss-of-function variants in DEPDC5 are known to be pathogenic (PMID: 23542697, 23542701). This variant has not been reported in the literature in individuals affected with DEPDC5-related conditions. For these reasons, this variant has been classified as Pathogenic.

Literature cited by the submitters: PubMed 23542697; PubMed 23542701.

NC_000022.10:g.(?_32202088)_(32202197_?)del

Gene: DEPDC5 (DEP domain containing 5, GATOR1 subcomplex subunit; plus strand). Cytogenetic location: 22q12.3.
Variant type: Deletion.
Identifiers: ClinVar variation 3247765 (VCV003247765.1).